The following is an entry in ClinVar:

ClinVar aggregate classification (germline): Uncertain significance (1 of 4 stars; one submission).

gnomAD v4.1: 1 of 1,609,534 alleles (0.000062%); highest among the groups gnomAD compares: Admixed American, 0.0017%; no homozygotes.

Submission:

CeGaT Center for Human Genetics Tuebingen
Classification: Uncertain significance. Last evaluated: 2026-08-01. Review status: criteria provided, single submitter. Criteria: CeGaT Center For Human Genetics Tuebingen Variant Classification Criteria Version 2. Collection method: clinical testing. Allele origin: germline. Affected: yes. Observed: 1 variant allele.
Comment: KMT2D: PM5, PM2:Supporting, PP2

NM_003482.4(KMT2D):c.4042C>G (p.Pro1348Ala)

Gene: KMT2D (lysine methyltransferase 2D; minus strand). Cytogenetic location: 12q13.12.
Variant type: single nucleotide variant.
Coding change: c.4042C>G on transcript NM_003482.4 (MANE Select); coding-DNA position 4042, C replaced by G.
Protein change: p.Pro1348Ala; replaces proline 1348 with alanine.
Molecular consequence: missense variant.
Genome position (GRCh38, 1-based): chr12:49,048,748, G>C on the plus strand (C>G on the coding strand, the complement: KMT2D is on the minus strand). VCF-style: chr12-49048748-G-C. GRCh37 (hg19) VCF-style: chr12-49442531-G-C.
Other names: short protein forms P1348A.
Identifiers: ClinVar variation 5040488 (VCV005040488.1).
Genomic context (GRCh38, chr12:49,048,748, plus strand): 5'-AGAAGAGAACCACGGTATTCTGCATGGTGTCATCATCTTCTTCCTCCTCCTCCTTACTGG[G>C]AGAGCTATCAATGTCAGCAACCTGATGGGCAGAGAGTTATGGAAAGTGAGGCAGATAAAT-3'
Protein context (NP_003473.3, residues 1338-1358): TLVVADIDSS[Pro1348Ala]SKEEEEEDDD